The following is an entry in ClinVar:

NM_024928.5(STN1):c.149A>G (p.Asn50Ser)

Gene: STN1 (STN1 subunit of CST complex; minus strand). Cytogenetic location: 10q24.33.
Variant type: single nucleotide variant.
Coding change: c.149A>G on transcript NM_024928.5 (MANE Select); coding-DNA position 149, A replaced by G.
Protein change: p.Asn50Ser; replaces asparagine 50 with serine.
Molecular consequence: missense variant.
Genome position (GRCh38, 1-based): chr10:103,910,607, T>C on the plus strand (A>G on the coding strand, the complement: STN1 is on the minus strand). VCF-style: chr10-103910607-T-C. GRCh37 (hg19) VCF-style: chr10-105670365-T-C.
Other names: c.149A>G (NM_024928.4); short protein forms N50S.
Identifiers: ClinVar variation 2174016 (VCV002174016.5), dbSNP rs146909879, ClinGen allele CA5676720.
Genomic context (GRCh38, chr10:103,910,607, plus strand): 5'-TCTCTTTCTCTCACTCCAATGACAGTTCCCAAGACATCTACCTGTTTTATTGGATGTCCA[T>C]TGTACAAAAATACACCTAAAATTTAAAAAAAGCAAAGTCGACATAATGTATGATTACATT-3'
Protein context (NP_079204.2, residues 40-60): SRQVPGVFLY[Asn50Ser]GHPIKQVDVL

ClinVar aggregate classification (germline): Uncertain significance. Review status: criteria provided, multiple submitters, no conflicts (2 of 4 stars). 2 submissions from 2 submitters: Uncertain significance (2). Last evaluated 2023-01-06.

Conditions:
Inborn genetic diseases. Identifiers: MedGen C0950123, MeSH D030342.

Allele frequency attached by ClinVar (database versions not stated): gnomAD 0.00001; ExAC 0.00002; TOPMed 0.00002; ESP Exome Variant Server 0.00008.
gnomAD v4.1: 106 of 1,605,128 alleles (0.0066%); highest among the groups gnomAD compares: Middle Eastern, 0.016%; no homozygotes.

Submissions (2):

Ambry Genetics
Classification: Uncertain significance for Inborn genetic diseases. Last evaluated: 2023-01-06. Review status: criteria provided, single submitter. Criteria: Ambry Variant Classification Scheme 2023. Collection method: clinical testing. Allele origin: germline.

Labcorp Genetics (formerly Invitae), Labcorp
Classification: Uncertain significance. Last evaluated: 2022-11-22. Review status: criteria provided, single submitter. Criteria: Invitae Variant Classification Sherloc (09022015). Collection method: clinical testing. Allele origin: germline.
Comment: In summary, the available evidence is currently insufficient to determine the role of this variant in disease. Therefore, it has been classified as a Variant of Uncertain Significance. Advanced modeling of protein sequence and biophysical properties (such as structural, functional, and spatial information, amino acid conservation, physicochemical variation, residue mobility, and thermodynamic stability) performed at Invitae indicates that this missense variant is expected to disrupt STN1 protein function. This variant has not been reported in the literature in individuals affected with STN1-related conditions. This variant is present in population databases (rs146909879, gnomAD 0.007%). This sequence change replaces asparagine, which is neutral and polar, with serine, which is neutral and polar, at codon 50 of the STN1 protein (p.Asn50Ser).